The following is an entry in ClinVar:

NM_001374353.1(GLI2):c.2995G>A (p.Asp999Asn)

Gene: GLI2 (GLI family zinc finger 2; plus strand). Cytogenetic location: 2q14.2.
Variant type: single nucleotide variant.
Coding change: c.2995G>A on transcript NM_001374353.1 (MANE Select); coding-DNA position 2995, G replaced by A.
Protein change: p.Asp999Asn; replaces aspartic acid 999 with asparagine.
Molecular consequence: missense variant.
Genome position (GRCh38, 1-based): chr2:120,988,960, G>A. VCF-style: chr2-120988960-G-A. GRCh37 (hg19) VCF-style: chr2-121746536-G-A.
Other names: c.3046G>A, p.Asp1016Asn (NM_001371271.1, NM_005270.5); c.2620G>A, p.Asp874Asn (NM_001374354.1); short protein forms D1016N, D874N, D999N.
Identifiers: ClinVar variation 1800720 (VCV001800720.2), dbSNP rs1365347989, ClinGen allele CA348170935.
Genomic context (GRCh38, chr2:120,988,960, plus strand): 5'-GGCCCGCTGCCGCCCTGTGCCGACAGGCGAGGCCTCCGCCTGCAGAGCCACCCGAGCACC[G>A]ACGGCGGCCTGGCCCGCGGCGCCTACTCGCCCCGGCCGCCTAGCATCAGCGAGAACGTGG-3'
Protein context (NP_001361282.1, residues 989-1009): GLRLQSHPST[Asp999Asn]GGLARGAYSP

ClinVar aggregate classification (germline): Uncertain significance. Review status: criteria provided, multiple submitters, no conflicts (2 of 4 stars). 2 submissions from 2 submitters: Uncertain significance (2). Last evaluated 2025-02-27.

Conditions:
Inborn genetic diseases. Identifiers: MedGen C0950123, MeSH D030342.

Allele frequency attached by ClinVar (database versions not stated): TOPMed below 0.00001.
gnomAD v4.1: 1 of 1,544,814 alleles (0.000065%); highest among the groups gnomAD compares: Non-Finnish European, 0.000087%; no homozygotes.

Submissions (2):

Ambry Genetics
Classification: Uncertain significance for Inborn genetic diseases. Last evaluated: 2025-02-27. Review status: criteria provided, single submitter. Criteria: Ambry Variant Classification Scheme 2023. Collection method: clinical testing. Allele origin: germline.

GeneDx
Classification: Uncertain significance. Last evaluated: 2022-05-16. Review status: criteria provided, single submitter. Criteria: GeneDx Variant Classification Process June 2021. Collection method: clinical testing. Allele origin: germline. Affected: yes.
Comment: Not observed at significant frequency in large population cohorts (gnomAD); In silico analysis supports that this missense variant has a deleterious effect on protein structure/function; Has not been previously published as pathogenic or benign to our knowledge